The following is an entry in ClinVar:

NM_001378414.1(HDAC4):c.1878C>T (p.Phe626=)

Gene: HDAC4 (histone deacetylase 4; minus strand). Cytogenetic location: 2q37.3.
Variant type: single nucleotide variant.
Coding change: c.1878C>T on transcript NM_001378414.1 (MANE Select); coding-DNA position 1878, C replaced by T.
Protein change: p.Phe626=; no amino-acid change (phenylalanine 626 retained).
Molecular consequence: synonymous variant.
Genome position (GRCh38, 1-based): chr2:239,111,626, G>A on the plus strand (C>T on the coding strand, the complement: HDAC4 is on the minus strand). VCF-style: chr2-239111626-G-A. GRCh37 (hg19) VCF-style: chr2-240033322-G-A.
Other names: c.1878C>T, p.Phe626= (NM_001378415.1); c.1863C>T, p.Phe621= (NM_001378416.1, NM_001378417.1, NM_006037.4).
Identifiers: ClinVar variation 2652073 (VCV002652073.24), dbSNP rs1356697969, ClinGen allele CA431981283.
Genomic context (GRCh38, chr2:239,111,626, plus strand): 5'-CACGGGGAAGGTGGCAGACGCGGGTGAGGACTGCGCCCGGGACAGAGGCCTGTGGCCGCC[G>A]AAGGACACGGGGATGCCGGCGGCCTCCATGGACGCCTGGTAGTTCCTCAGCTGGTGGATC-3'
Protein context (NP_001365343.1, residues 616-636): SMEAAGIPVS[Phe626=]GGHRPLSRAQ

ClinVar aggregate classification (germline): Likely benign (1 of 4 stars; one submission).

Allele frequency attached by ClinVar (database versions not stated): gnomAD exomes 0.00001; gnomAD 0.00002; TOPMed 0.00002.
gnomAD v4.1: 24 of 1,609,688 alleles (0.0015%); highest among the groups gnomAD compares: East Asian, 0.0045%; no homozygotes.

Submission:

CeGaT Center for Human Genetics Tuebingen
Classification: Likely benign. Last evaluated: 2023-04-01. Review status: criteria provided, single submitter. Criteria: CeGaT Center For Human Genetics Tuebingen Variant Classification Criteria Version 2. Collection method: clinical testing. Allele origin: germline. Affected: yes. Observed: 1 variant allele.
Comment: HDAC4: BP4, BP7